The following is an entry in ClinVar:

NM_015057.5(MYCBP2):c.6037G>A (p.Ala2013Thr)

Gene: MYCBP2 (MYC binding protein 2; minus strand). Cytogenetic location: 13q22.3.
Variant type: single nucleotide variant.
Coding change: c.6037G>A on transcript NM_015057.5 (MANE Select); coding-DNA position 6037, G replaced by A.
Protein change: p.Ala2013Thr; replaces alanine 2013 with threonine.
Molecular consequence: missense variant.
Genome position (GRCh38, 1-based): chr13:77,168,505, C>T on the plus strand (G>A on the coding strand, the complement: MYCBP2 is on the minus strand). VCF-style: chr13-77168505-C-T. GRCh37 (hg19) VCF-style: chr13-77742640-C-T.
Other names: short protein forms A2013T.
Identifiers: ClinVar variation 3360881 (VCV003360881.1).

ClinVar aggregate classification (germline): Uncertain significance (1 of 4 stars; one submission).

gnomAD v4.1: 7 of 1,614,052 alleles (0.00043%); highest among the groups gnomAD compares: Non-Finnish European, 0.00059%; no homozygotes.

Submission:

GeneDx
Classification: Uncertain significance. Last evaluated: 2023-07-06. Review status: criteria provided, single submitter. Criteria: GeneDx Variant Classification Process June 2021. Collection method: clinical testing. Allele origin: germline. Affected: yes.
Comment: Not observed at significant frequency in large population cohorts (gnomAD); In silico analysis supports that this missense variant does not alter protein structure/function; Has not been previously published as pathogenic or benign to our knowledge